The following is an entry in ClinVar:

NM_001384900.1(SEMA3D):c.1192-10T>C

Gene: SEMA3D (semaphorin 3D; minus strand). Cytogenetic location: 7q21.11.
Variant type: single nucleotide variant.
Coding change: c.1192-10T>C on transcript NM_001384900.1 (MANE Select); 10 bases into the intron before coding-DNA position 1192, T replaced by C.
Molecular consequence: intron variant.
Genome position (GRCh38, 1-based): chr7:85,022,623, A>G on the plus strand (T>C on the coding strand, the complement: SEMA3D is on the minus strand). VCF-style: chr7-85022623-A-G. GRCh37 (hg19) VCF-style: chr7-84651939-A-G.
Other names: c.1192-10T>C (NM_001384901.1, NM_001384903.1, NM_001384902.1 and 1 more transcripts).
Identifiers: ClinVar variation 3357403 (VCV003357403.1).

ClinVar aggregate classification (germline): Likely benign (0 of 4 stars; one submission).

Conditions:
SEMA3D-related disorder. Also called: SEMA3D-related condition.

gnomAD v4.1: 1 of 1,572,270 alleles (0.000064%); highest among the groups gnomAD compares: African/African-American, 0.0014%; no homozygotes.

Submission:

PreventionGenetics, part of Exact Sciences
Classification: Likely benign for SEMA3D-related condition. Last evaluated: 2023-12-08. Review status: no assertion criteria provided. Collection method: clinical testing. Allele origin: germline.
Comment: This variant is classified as likely benign based on ACMG/AMP sequence variant interpretation guidelines (Richards et al. 2015 PMID: 25741868, with internal and published modifications).